The following is an entry in ClinVar:

ClinVar aggregate classification (germline): Pathogenic (1 of 4 stars; one submission).

Conditions:
L1 syndrome. Identifiers: Orphanet 275543, MedGen C5779710, MONDO:0017140.

Submission:

Myriad Genetics, Inc.
Classification: Pathogenic for L1 syndrome. Last evaluated: 2025-05-21. Review status: criteria provided, single submitter. Criteria: Myriad Autosomal Dominant, Autosomal Recessive and X-Linked Classification Criteria (2023). Collection method: clinical testing. Allele origin: unknown.
Comment: NM_001278116.1(L1CAM):c.1001delA(Y334Sfs*56) is expected to be pathogenic in the context of L1 syndrome. This variant is predicted to lead to an abnormal or absent protein product due to the creation of a premature termination codon in L1CAM, a gene where loss-of-function variants are known to be pathogenic. Please note: this variant was assessed in the context of healthy population screening.

NM_001278116.2(L1CAM):c.1001del (p.Tyr334fs)

Gene: L1CAM (L1 cell adhesion molecule; minus strand). Cytogenetic location: Xq28.
Variant type: Deletion.
Coding change: c.1001del on transcript NM_001278116.2 (MANE Select); coding-DNA position 1001, one base deleted (A; older notation c.1001delA).
Protein change: p.Tyr334fs; shifts the reading frame from tyrosine 334.
Molecular consequence: frameshift variant.
Genome position (GRCh38, 1-based): chrX:153,869,925, T deleted on the plus strand (A on the coding strand, the reverse complement: L1CAM is on the minus strand). VCF-style (leftmost placement, unchanged base first): chrX-153869924-GT-G. GRCh37 (hg19) VCF-style: chrX-153135379-GT-G.
Other names: c.1001del, p.Tyr334fs (NM_000425.5, NM_024003.3); c.986del, p.Tyr329fs (NM_001143963.2); short protein forms Y329fs, Y334fs.
Identifiers: ClinVar variation 5014492 (VCV005014492.1).